The following is an entry in ClinVar:

ClinVar aggregate classification (germline): Uncertain significance (1 of 4 stars; one submission).

Conditions:
Epileptic encephalopathy. Identifiers: MedGen C0543888, HP:0200134.

Allele frequency attached by ClinVar (database versions not stated): gnomAD 0.00001; gnomAD exomes 0.00001 and 0.00003; TOPMed 0.00002; ExAC 0.00003.
gnomAD v4.1: 46 of 1,594,774 alleles (0.0029%); highest among the groups gnomAD compares: African/African-American, 0.0041%; no homozygotes.

Submission:

Labcorp Genetics (formerly Invitae), Labcorp
Classification: Uncertain significance for Epileptic encephalopathy. Last evaluated: 2024-02-17. Review status: criteria provided, single submitter. Criteria: Invitae Variant Classification Sherloc (09022015). Collection method: clinical testing. Allele origin: germline.
Comment: This sequence change replaces aspartic acid, which is acidic and polar, with asparagine, which is neutral and polar, at codon 2257 of the RYR3 protein (p.Asp2257Asn). This variant is present in population databases (rs750171875, gnomAD 0.01%). This variant has not been reported in the literature in individuals affected with RYR3-related conditions. ClinVar contains an entry for this variant (Variation ID: 863757). Advanced modeling of protein sequence and biophysical properties (such as structural, functional, and spatial information, amino acid conservation, physicochemical variation, residue mobility, and thermodynamic stability) performed at Invitae indicates that this missense variant is not expected to disrupt RYR3 protein function with a negative predictive value of 80%. In summary, the available evidence is currently insufficient to determine the role of this variant in disease. Therefore, it has been classified as a Variant of Uncertain Significance.

NM_001036.6(RYR3):c.6769G>A (p.Asp2257Asn)

Gene: RYR3 (ryanodine receptor 3; plus strand). Cytogenetic location: 15q14.
Variant type: single nucleotide variant.
Coding change: c.6769G>A on transcript NM_001036.6 (MANE Select); coding-DNA position 6769, G replaced by A.
Protein change: p.Asp2257Asn; replaces aspartic acid 2257 with asparagine.
Molecular consequence: missense variant.
Genome position (GRCh38, 1-based): chr15:33,722,864, G>A. VCF-style: chr15-33722864-G-A. GRCh37 (hg19) VCF-style: chr15-34015065-G-A.
Other names: c.6769G>A, p.Asp2257Asn (NM_001243996.4); short protein forms D2257N.
Identifiers: ClinVar variation 863757 (VCV000863757.9), dbSNP rs750171875, ClinGen allele CA7459668.
Genomic context (GRCh38, chr15:33,722,864, plus strand): 5'-GGAAACGGGCTCTTGGCAGCCATGCAGGGTGCCATTAAGATCTCTGAGAACCCAGCGCTC[G>A]ACCTCCCCTCTCAAGGATACAAAAGAGAAGTGTAAGTGAATGGAATTCCCTTCCGGCACA-3'
Protein context (NP_001027.3, residues 2247-2267): AIKISENPAL[Asp2257Asn]LPSQGYKREV